The following is an entry in ClinVar:

NM_000179.3(MSH6):c.2329T>A (p.Trp777Arg)

Gene: MSH6 (mutS homolog 6; plus strand). Cytogenetic location: 2p16.3.
Variant type: single nucleotide variant.
Coding change: c.2329T>A on transcript NM_000179.3 (MANE Select); coding-DNA position 2329, T replaced by A.
Protein change: p.Trp777Arg; replaces tryptophan 777 with arginine.
Molecular consequence: missense variant.
Genome position (GRCh38, 1-based): chr2:47,800,312, T>A. VCF-style: chr2-47800312-T-A. GRCh37 (hg19) VCF-style: chr2-48027451-T-A.
Other names: c.1939T>A, p.Trp647Arg (NM_001281492.2); c.1423T>A, p.Trp475Arg (NM_001281493.2, NM_001281494.2); short protein forms W777R, W475R, W647R.
Identifiers: ClinVar variation 89270 (VCV000089270.11), dbSNP rs267608067, ClinGen allele CA010044.

ClinVar aggregate classification (germline): Conflicting classifications of pathogenicity. Review status: criteria provided, conflicting classifications (1 of 4 stars). 3 submissions from 3 submitters: Likely pathogenic (1); Uncertain significance (2). Last evaluated 2026-08-26.

Conditions:
Hereditary cancer-predisposing syndrome. Also called: Neoplastic Syndromes, Hereditary; Hereditary neoplastic syndrome; Hereditary Cancer Syndrome; Tumor predisposition. Identifiers: Orphanet 140162, MedGen C0027672, MeSH D009386, MONDO:0015356.
Lynch syndrome. Identifiers: Orphanet 144, MedGen C4552100, MONDO:0005835. Disease mechanism: loss of function.

Submissions (3):

Ambry Genetics
Classification: Likely pathogenic for Hereditary cancer-predisposing syndrome. Last evaluated: 2026-08-26. Review status: criteria provided, single submitter. Criteria: Ambry Variant Classification Scheme 2023. Collection method: clinical testing. Allele origin: germline.
Comment: The p.W777R variant (also known as c.2329T>A), located in coding exon 4 of the MSH6 gene, results from a T to A substitution at nucleotide position 2329. The tryptophan at codon 777 is replaced by arginine, an amino acid with dissimilar properties. This variant was reported in individual(s) with features consistent with Lynch syndrome (Steinke V et al. Eur J Hum Genet, 2008 May;16:587-92). This amino acid position is highly conserved in available vertebrate species. In addition, this alteration is predicted to be deleterious by in silico analysis. Based on the majority of available evidence to date, this variant is likely to be pathogenic.

All of Us Research Program, National Institutes of Health
Classification: Uncertain significance for Lynch syndrome. Last evaluated: 2023-12-18. Review status: criteria provided, single submitter. Criteria: ACMG Guidelines, 2015. Collection method: clinical testing. Allele origin: germline. Inheritance: Autosomal dominant inheritance. Observed: 1 variant allele, 1 heterozygote.
Comment: This missense variant replaces tryptophan with arginine at codon 777 of the MSH6 protein. Computational prediction suggests that this variant may have deleterious impact on protein structure and function (internally defined REVEL score threshold >= 0.7, PMID: 27666373). To our knowledge, functional studies have not been reported for this variant. This variant has been reported in an individual affected with early onset colorectal cancer with a tumor demonstrating high microsatellite instability (PMID: 18301448). This variant has not been identified in the general population by the Genome Aggregation Database (gnomAD). The available evidence is insufficient to determine the role of this variant in disease conclusively. Therefore, this variant is classified as a Variant of Uncertain Significance.

This study involves interpretation of variants in research participants for the purpose of population health screening. Participant phenotype was not available at the time of variant classification. Additional details can be found in publication PMID: 35346344, PMCID: PMC8962531

Color Diagnostics, LLC DBA Color Health
Classification: Uncertain significance for Hereditary cancer-predisposing syndrome. Last evaluated: 2023-11-24. Review status: criteria provided, single submitter. Criteria: ACMG Guidelines, 2015. Collection method: clinical testing. Allele origin: germline.
Comment: This missense variant replaces tryptophan with arginine at codon 777 of the MSH6 protein. Computational prediction suggests that this variant may have deleterious impact on protein structure and function (internally defined REVEL score threshold >= 0.7, PMID: 27666373). To our knowledge, functional studies have not been reported for this variant. This variant has been reported in an individual affected with early onset colorectal cancer with a tumor demonstrating high microsatellite instability (PMID: 18301448). This variant has not been identified in the general population by the Genome Aggregation Database (gnomAD). The available evidence is insufficient to determine the role of this variant in disease conclusively. Therefore, this variant is classified as a Variant of Uncertain Significance.

Literature cited by the submitters: PubMed 18301448 (cited by 3 submitters); PubMed 23621914 (cited by Ambry Genetics).